The following is an entry in ClinVar:

ClinVar aggregate classification (germline): Uncertain significance (1 of 4 stars; one submission).

Conditions:
CEP290-related disorder. Also called: CEP290-related disorders; CEP290-related condition. Identifiers: MedGen CN239314.

gnomAD v4.1: 1 of 1,596,256 alleles (0.000063%); highest among the groups gnomAD compares: Non-Finnish European, 0.000085%; no homozygotes.

Submission:

PreventionGenetics, part of Exact Sciences
Classification: Uncertain significance for CEP290-related condition. Last evaluated: 2024-11-07. Review status: criteria provided, single submitter. Criteria: ACMG Guidelines, 2015. Collection method: clinical testing. Allele origin: germline.
Comment: The CEP290 c.5257G>A variant is predicted to result in the amino acid substitution p.Ala1753Thr. To our knowledge, this variant has not been reported in the literature or in a large population database (gnomAD), indicating this variant is rare. At this time, the clinical significance of this variant is uncertain due to the absence of conclusive functional and genetic evidence.

NM_025114.4(CEP290):c.5257G>A (p.Ala1753Thr)

Gene: CEP290 (centrosomal protein 290; minus strand). Cytogenetic location: 12q21.32.
Variant type: single nucleotide variant.
Coding change: c.5257G>A on transcript NM_025114.4 (MANE Select); coding-DNA position 5257, G replaced by A.
Protein change: p.Ala1753Thr; replaces alanine 1753 with threonine.
Molecular consequence: missense variant.
Genome position (GRCh38, 1-based): chr12:88,079,199, C>T on the plus strand (G>A on the coding strand, the complement: CEP290 is on the minus strand). VCF-style: chr12-88079199-C-T. GRCh37 (hg19) VCF-style: chr12-88472976-C-T.
Other names: short protein forms A1753T.
Identifiers: ClinVar variation 4998578 (VCV004998578.1).